The following is an entry in ClinVar:

NM_024301.5(FKRP):c.178G>T (p.Asp60Tyr)

Gene: FKRP (fukutin related protein; plus strand). Cytogenetic location: 19q13.32.
Variant type: single nucleotide variant.
Coding change: c.178G>T on transcript NM_024301.5 (MANE Select); coding-DNA position 178, G replaced by T.
Protein change: p.Asp60Tyr; replaces aspartic acid 60 with tyrosine.
Molecular consequence: missense variant.
Genome position (GRCh38, 1-based): chr19:46,755,628, G>T. VCF-style: chr19-46755628-G-T. GRCh37 (hg19) VCF-style: chr19-47258885-G-T.
Other names: c.178G>T, p.Asp60Tyr (NM_001039885.3); short protein forms D60Y.
Identifiers: ClinVar variation 834380 (VCV000834380.5), dbSNP rs1311501368, ClinGen allele CA406494814.

ClinVar aggregate classification (germline): Uncertain significance. Review status: criteria provided, single submitter (1 of 4 stars). 2 submissions from 2 submitters: Uncertain significance (1). 1 of the submissions does not count toward it. Last evaluated 2022-08-16.

Conditions:
Walker-Warburg congenital muscular dystrophy. Also called: Muscular dystrophy-dystroglycanopathy, type A; Walker-Warburg syndrome. Identifiers: Orphanet 899, MedGen C0265221, MONDO:0000171.
Autosomal recessive limb-girdle muscular dystrophy type 2I. Also called: MUSCULAR DYSTROPHY, LIMB-GIRDLE, TYPE 2I; MUSCULAR DYSTROPHY-DYSTROGLYCANOPATHY (LIMB-GIRDLE), TYPE C, 5; MUSCULAR DYSTROPHY-DYSTROGLYCANOPATHY, LIMB-GIRDLE, FRKP-RELATED. Identifiers: Orphanet 34515, MedGen C1846672, MONDO:0011787, OMIM 607155.

Allele frequency attached by ClinVar (database versions not stated): gnomAD exomes below 0.00001; gnomAD 0.00001; TOPMed 0.00001.

Submissions (2):

Labcorp Genetics (formerly Invitae), Labcorp
Classification: Uncertain significance for Walker-Warburg congenital muscular dystrophy. Last evaluated: 2022-08-16. Review status: criteria provided, single submitter. Criteria: Invitae Variant Classification Sherloc (09022015). Collection method: clinical testing. Allele origin: germline.
Comment: This sequence change replaces aspartic acid, which is acidic and polar, with tyrosine, which is neutral and polar, at codon 60 of the FKRP protein (p.Asp60Tyr). This variant is not present in population databases (gnomAD no frequency). This variant has not been reported in the literature in individuals affected with FKRP-related conditions. ClinVar contains an entry for this variant (Variation ID: 834380). Algorithms developed to predict the effect of missense changes on protein structure and function are either unavailable or do not agree on the potential impact of this missense change (SIFT: "Deleterious"; PolyPhen-2: "Possibly Damaging"; Align-GVGD: "Class C15"). In summary, the available evidence is currently insufficient to determine the role of this variant in disease. Therefore, it has been classified as a Variant of Uncertain Significance.

Natera, Inc.
Classification: Uncertain significance for Limb-girdle muscular dystrophy type 2I. Last evaluated: 2020-08-07. Review status: no assertion criteria provided. Collection method: clinical testing. Allele origin: germline. Not counted in ClinVar's aggregate classification.